The following is an entry in ClinVar:

ClinVar aggregate classification (germline): Conflicting classifications of pathogenicity. Review status: criteria provided, conflicting classifications (1 of 4 stars). 11 submissions from 7 submitters: Uncertain significance (7); Likely benign (4). Last evaluated 2024-09-21.

Conditions:
Autosomal recessive limb-girdle muscular dystrophy type 2J (LGMDR10). Also called: Limb-girdle muscular dystrophy, type 2J; MUSCULAR DYSTROPHY, LIMB-GIRDLE, AUTOSOMAL RECESSIVE 10. Identifiers: Orphanet 140922, MedGen C1837342, MONDO:0012127, OMIM 608807.
Dilated cardiomyopathy 1G (CMD1G). Identifiers: Orphanet 154, MedGen C1858763, MONDO:0011400, OMIM 604145.
Tibial muscular dystrophy (TMD). Also called: Tibial muscular dystrophy, tardive; Udd Distal Myopathy – Tibial Muscular Dystrophy; UDD MYOPATHY. Identifiers: Orphanet 609, MedGen C1838244, MONDO:0010870, OMIM 600334.
Early-onset myopathy with fatal cardiomyopathy (CMYO5). Also called: CONGENITAL MYOPATHY 5 WITH CARDIOMYOPATHY; Salih Myopathy. Identifiers: Orphanet 289377, MedGen C2673677, MONDO:0012714, OMIM 611705. Disease mechanism: loss of function.
Myopathy, myofibrillar, 9, with early respiratory failure (MFM9). Also called: Hereditary myopathy with early respiratory failure; Myopathy, distal, with early respiratory failure, autosomal dominant; EDSTROM MYOPATHY; MYOPATHY, PROXIMAL, WITH EARLY RESPIRATORY MUSCLE INVOLVEMENT. Identifiers: Orphanet 178464, Orphanet 34521, MedGen C1863599, MONDO:0011362, OMIM 603689.

Allele frequency attached by ClinVar (database versions not stated): gnomAD 0.00003; gnomAD exomes 0.00005 and 0.00013; ExAC 0.00006; TOPMed 0.00006.
gnomAD v4.1: 191 of 1,613,972 alleles (0.012%); highest among the groups gnomAD compares: Non-Finnish European, 0.015%; no homozygotes.

Submissions (11):

Blueprint Genetics
Classification: Likely benign. Last evaluated: 2024-09-21. Review status: criteria provided, single submitter. Criteria: ACMG Guidelines, 2015. Collection method: clinical testing. Allele origin: germline.

Revvity Omics, Revvity
Classification: Uncertain significance. Last evaluated: 2023-09-06. Review status: criteria provided, single submitter. Criteria: ACMG Guidelines, 2015. Collection method: clinical testing. Allele origin: germline.

Women's Health and Genetics/Laboratory Corporation of America, LabCorp
Classification: Uncertain significance. Last evaluated: 2023-05-18. Review status: criteria provided, single submitter. Criteria: LabCorp Variant Classification Summary - May 2015. Collection method: clinical testing. Allele origin: germline.
Comment: Variant summary: TTN c.97670C>T (p.Thr32557Met) results in a non-conservative amino acid change located in the M-band of the encoded protein sequence. Two of four in-silico tools predict a benign effect of the variant on protein function. The variant allele was found at a frequency of 5.2e-05 in 249022 control chromosomes. This frequency is not significantly higher than estimated for a pathogenic variant in TTN causing Dilated Cardiomyopathy (5.2e-05 vs 0.00039), allowing no conclusion about variant significance. c.97670C>T has been reported in the literature in an individual affected with Dilated Cardiomyopathy (Mazzarotto_2020). This report does not provide unequivocal conclusions about association of the variant with Dilated Cardiomyopathy. Co-occurrences with other pathogenic variant(s) have been reported (TTN c.53910delA, p.Ala1797LeufsX38), providing supporting evidence for a benign role. To our knowledge, no experimental evidence demonstrating an impact on protein function has been reported. The following publication have been ascertained in the context of this evaluation (PMID: 31983221). Six clinical diagnostic laboratories have submitted clinical-significance assessments for this variant to ClinVar after 2014. Multiple laboratories reported the variant with conflicting assessments: VUS (n=4) and Likely Benign (n=2). Based on the evidence outlined above, the variant was classified as uncertain significance.

GeneDx
Classification: Likely benign. Last evaluated: 2020-10-16. Review status: criteria provided, single submitter. Criteria: GeneDx Variant Classification Process June 2021. Collection method: clinical testing. Allele origin: germline. Affected: yes.
Comment: This variant is associated with the following publications: (PMID: 31983221)

Illumina Laboratory Services, Illumina
Classification: Likely benign for Tibial muscular dystrophy. Last evaluated: 2018-01-12. Review status: criteria provided, single submitter. Criteria: ICSL Variant Classification Criteria 13 December 2019. Collection method: clinical testing. Allele origin: germline.
Comment: This variant was observed in the ICSL laboratory as part of a predisposition screen in an ostensibly healthy population. It had not been previously curated by ICSL or reported in the Human Gene Mutation Database (HGMD: prior to June 1st, 2018), and was therefore a candidate for classification through an automated scoring system. Utilizing variant allele frequency, disease prevalence and penetrance estimates, and inheritance mode, an automated score was calculated to assess if this variant is too frequent to cause the disease. Based on the score and internal cut-off values, a variant classified as likely benign is not then subjected to further curation. The score for this variant resulted in a classification of likely benign for this disease.

Illumina Laboratory Services, Illumina
Classification: Uncertain significance for Early-onset myopathy with fatal cardiomyopathy. Last evaluated: 2018-01-12. Review status: criteria provided, single submitter. Criteria: ICSL Variant Classification Criteria 13 December 2019. Collection method: clinical testing. Allele origin: germline.

Illumina Laboratory Services, Illumina
Classification: Uncertain significance for Autosomal recessive limb-girdle muscular dystrophy type 2J. Last evaluated: 2018-01-12. Review status: criteria provided, single submitter. Criteria: ICSL Variant Classification Criteria 13 December 2019. Collection method: clinical testing. Allele origin: germline.

Illumina Laboratory Services, Illumina
Classification: Uncertain significance for Dilated cardiomyopathy 1G. Last evaluated: 2018-01-12. Review status: criteria provided, single submitter. Criteria: ICSL Variant Classification Criteria 13 December 2019. Collection method: clinical testing. Allele origin: germline.

Illumina Laboratory Services, Illumina
Classification: Likely benign for Myopathy, myofibrillar, 9, with early respiratory failure. Last evaluated: 2018-01-12. Review status: criteria provided, single submitter. Criteria: ICSL Variant Classification Criteria 13 December 2019. Collection method: clinical testing. Allele origin: germline.
Comment: the same text as in the submission from Illumina Laboratory Services, Illumina above.

Labcorp Genetics (formerly Invitae), Labcorp
Classification: Uncertain significance for Dilated cardiomyopathy 1G; Autosomal recessive limb-girdle muscular dystrophy type 2J. Last evaluated: 2017-09-07. Review status: criteria provided, single submitter. Criteria: Invitae Variant Classification Sherloc (09022015). Collection method: clinical testing. Allele origin: germline.

Eurofins Ntd Llc (ga)
Classification: Uncertain significance. Last evaluated: 2015-08-06. Review status: criteria provided, single submitter. Criteria: EGL Classification Definitions 2015. Collection method: clinical testing. Allele origin: germline. Observed: 1 variant allele, 1 heterozygote.

Literature cited by the submitters: PubMed 31983221 (cited by Women's Health and Genetics/Laboratory Corporation of America, LabCorp).

NM_001267550.2(TTN):c.105374C>T (p.Thr35125Met)

Genes: TTN (titin; minus strand), TTN-AS1 (TTN antisense RNA 1; plus strand). Cytogenetic location: 2q31.2.
Variant type: single nucleotide variant.
Coding change: c.105374C>T on transcript NM_001267550.2 (MANE Select); coding-DNA position 105374, C replaced by T.
Protein change: p.Thr35125Met; replaces threonine 35125 with methionine.
Molecular consequence: missense variant.
Genome position (GRCh38, 1-based): chr2:178,531,241, G>A on the plus strand (C>T on the coding strand, the complement: TTN is on the minus strand). VCF-style: chr2-178531241-G-A. GRCh37 (hg19) VCF-style: chr2-179395968-G-A.
Other names: c.100451C>T, p.Thr33484Met (NM_001256850.1); c.78179C>T, p.Thr26060Met (NM_003319.4); c.97670C>T, p.Thr32557Met (NM_133378.4); c.78554C>T, p.Thr26185Met (NM_133432.3); c.78755C>T, p.Thr26252Met (NM_133437.4); short protein forms T33484M, T35125M, T32557M, T26185M, T26060M, T26252M.
Identifiers: ClinVar variation 282416 (VCV000282416.18), dbSNP rs747161494, ClinGen allele CA1985271.
Genomic context (GRCh38, chr2:178,531,241, plus strand): 5'-GACTCGCCCTCGTAGACGGTCATGGACCGTGGCTTTGTTAGAATTCTTGCTGCCAAAGTC[G>A]TCTTGATCTTTCTGGTTGTGGATTTTTCTTCCAGTGACTTTTCTTCTAATGCAGCACTTT-3'
Protein context (NP_001254479.2, residues 35115-35135): EEKSTTRKIK[Thr35125Met]TLAARILTKP